The following is an entry in ClinVar:

NM_000057.4(BLM):c.3310G>A (p.Gly1104Ser)

Gene: BLM (BLM RecQ like helicase; plus strand). Cytogenetic location: 15q26.1.
Variant type: single nucleotide variant.
Coding change: c.3310G>A on transcript NM_000057.4 (MANE Select); coding-DNA position 3310, G replaced by A.
Protein change: p.Gly1104Ser; replaces glycine 1104 with serine.
Molecular consequence: missense variant.
Genome position (GRCh38, 1-based): chr15:90,798,289, G>A. VCF-style: chr15-90798289-G-A. GRCh37 (hg19) VCF-style: chr15-91341519-G-A.
Other names: c.3310G>A, p.Gly1104Ser (NM_001287246.2, NM_001287247.2); c.2185G>A, p.Gly729Ser (NM_001287248.2); short protein forms G1104S, G729S.
Identifiers: ClinVar variation 236815 (VCV000236815.26), dbSNP rs141269464, ClinGen allele CA7738986.

ClinVar aggregate classification (germline): Uncertain significance. Review status: criteria provided, multiple submitters, no conflicts (2 of 4 stars). 9 submissions from 9 submitters: Uncertain significance (8). 1 of the submissions does not count toward it. Last evaluated 2026-01-26.

Conditions:
Hereditary cancer-predisposing syndrome. Also called: Hereditary neoplastic syndrome; Hereditary Cancer Syndrome; Neoplastic Syndromes, Hereditary; Tumor predisposition. Identifiers: Orphanet 140162, MedGen C0027672, MeSH D009386, MONDO:0015356.
Bloom syndrome (BLM). Also called: Bloom-Torre-Machacek syndrome. Identifiers: Orphanet 125, MedGen C0005859, MONDO:0008876, OMIM 210900.

Allele frequency attached by ClinVar (database versions not stated): gnomAD exomes 0.00004 and 0.00009; ExAC 0.00005; TOPMed 0.00006; gnomAD 0.00007 and 0.00008; ESP Exome Variant Server 0.00008.
gnomAD v4.1: 137 of 1,612,676 alleles (0.0085%); highest among the groups gnomAD compares: Non-Finnish European, 0.011%; no homozygotes.

Submissions (9):

Labcorp Genetics (formerly Invitae), Labcorp
Classification: Uncertain significance for Bloom syndrome. Last evaluated: 2026-01-26. Review status: criteria provided, single submitter. Criteria: Invitae Variant Classification Sherloc (09022015). Collection method: clinical testing. Allele origin: germline.
Comment: This sequence change replaces glycine, which is neutral and non-polar, with serine, which is neutral and polar, at codon 1104 of the BLM protein (p.Gly1104Ser). This variant is present in population databases (rs141269464, gnomAD 0.01%). This variant has not been reported in the literature in individuals affected with BLM-related conditions. ClinVar contains an entry for this variant (Variation ID: 236815). Invitae Evidence Modeling of protein sequence and biophysical properties (such as structural, functional, and spatial information, amino acid conservation, physicochemical variation, residue mobility, and thermodynamic stability) indicates that this missense variant is not expected to disrupt BLM protein function with a negative predictive value of 80%. RNA analysis performed to evaluate the impact of this missense change on mRNA splicing indicates it does not significantly alter splicing (internal data). In summary, the available evidence is currently insufficient to determine the role of this variant in disease. Therefore, it has been classified as a Variant of Uncertain Significance.

GeneDx
Classification: Uncertain significance. Last evaluated: 2025-09-02. Review status: criteria provided, single submitter. Criteria: GeneDx Variant Classification Process June 2021. Collection method: clinical testing. Allele origin: germline. Affected: yes.
Comment: Not observed at significant frequency in large population cohorts (gnomAD); In silico analysis suggests that this missense variant does not alter protein structure/function; Has not been previously published as pathogenic or benign to our knowledge; In silico analysis suggests this variant may impact gene splicing. In the absence of RNA/functional studies, the actual effect of this sequence change is unknown; This variant is associated with the following publications: (PMID: 23129629, 29641532, 29643063)

Quest Diagnostics Nichols Institute San Juan Capistrano
Classification: Uncertain significance. Last evaluated: 2024-12-08. Review status: criteria provided, single submitter. Criteria: Quest Diagnostics criteria. Collection method: clinical testing. Allele origin: unknown.
Comment: The BLM c.3310G>A (p.Gly1104Ser) variant has been reported in the published literature in one reportedly healthy individual (PMID: 29641532 (2018)). The frequency of this variant in the general population (Genome Aggregation Database) is uninformative in the assessment of its pathogenicity. Analysis of this variant using bioinformatics tools for the prediction of the effect of amino acid changes on protein structure and function yielded predictions that this variant is benign. Based on the available information, we are unable to determine the clinical significance of this variant.

Ambry Genetics
Classification: Uncertain significance for Hereditary cancer-predisposing syndrome. Last evaluated: 2024-10-14. Review status: criteria provided, single submitter. Criteria: Ambry Variant Classification Scheme 2023. Collection method: clinical testing. Allele origin: germline.
Comment: The p.G1104S variant (also known as c.3310G>A), located in coding exon 16 of the BLM gene, results from a G to A substitution at nucleotide position 3310. The glycine at codon 1104 is replaced by serine, an amino acid with similar properties. This amino acid position is well conserved in available vertebrate species. In addition, this alteration is predicted to be tolerated by in silico analysis. Based on the available evidence, the clinical significance of this variant remains unclear.

Fulgent Genetics
Classification: Uncertain significance for Bloom syndrome. Last evaluated: 2024-06-07. Review status: criteria provided, single submitter. Criteria: ACMG Guidelines, 2015. Collection method: clinical testing. Allele origin: germline.

St. Jude Molecular Pathology, St. Jude Children's Research Hospital
Classification: Uncertain significance for Bloom syndrome. Last evaluated: 2024-05-13. Review status: criteria provided, single submitter. Criteria: St. Jude Assertion Criteria 2020. Collection method: clinical testing. Allele origin: germline.
Comment: The BLM cc.3310G>A (p.Gly1104Ser) missense change has a maximum subpopulation frequency of 0.011% in gnomAD v2.1.1. The in silico tool REVEL predicts a benign effect of this variant on protein function, and to our knowledge functional studies have not been performed. This variant has been identified in 1 of 1358 control individuals collected as part of non-cancer studies (PMID: 29641532). To our knowledge, this variant has not been reported in individuals with Bloom syndrome. In summary, the evidence currently available is insufficient to determine the clinical significance of this variant. It has therefore been classified as of uncertain significance.

Women's Health and Genetics/Laboratory Corporation of America, LabCorp
Classification: Uncertain significance. Last evaluated: 2023-12-21. Review status: criteria provided, single submitter. Criteria: LabCorp Variant Classification Summary - May 2015. Collection method: clinical testing. Allele origin: germline.
Comment: Variant summary: BLM c.3310G>A (p.Gly1104Ser) results in a non-conservative amino acid change located in the RQC domain (IPR018982) of the encoded protein sequence. Four of five in-silico tools predict a benign effect of the variant on protein function. The variant allele was found at a frequency of 4.7e-05 in 253448 control chromosomes (gnomAD and Pritchard_2018). This frequency is not significantly higher than estimated for a pathogenic variant in BLM causing Bloom Syndrome (4.7e-05 vs 0.0035), allowing no conclusion about variant significance. To our knowledge, no occurrence of c.3310G>A in individuals affected with Bloom Syndrome and no experimental evidence demonstrating its impact on protein function have been reported. The following publication has been ascertained in the context of this evaluation (PMID: 29641532). Five submitters have cited clinical-significance assessments for this variant to ClinVar after 2014. All submitters classified the variant as uncertain significance. Based on the evidence outlined above, the variant was classified as uncertain significance.

Sema4
Classification: Uncertain significance for Hereditary cancer-predisposing syndrome. Last evaluated: 2022-03-09. Review status: criteria provided, single submitter. Criteria: Sema4 Curation Guidelines. Collection method: curation. Allele origin: germline.
Comment: The BLM c.3310G>A (p.G1104S) variant has not been reported in the individuals with BLM-related disease. It has been reported in 1/1358 non-cancer control individuals in a case-control study looking at cancer predisposition mutations in patients with multiple primary cancers (PMID: 29641532). It was observed in 14/128878 chromosomes in the Non-Finnish European population according to the Genome Aggregation Database (PMID: 32461654). This variant has been reported in ClinVar (Variation ID: 236815). In silico tools suggest the impact of the variant on protein function is benign, though these predictions have not been confirmed by functional studies. The evidence is insufficient to meet ACMG/AMP criteria for classifying the variant as benign or pathogenic. Thus, the clinical significance of this variant is currently uncertain.

Natera, Inc.
Classification: Uncertain significance for Bloom syndrome. Last evaluated: 2018-10-29. Review status: no assertion criteria provided. Collection method: clinical testing. Allele origin: germline. Not counted in ClinVar's aggregate classification.

Literature cited by the submitters: PubMed 29641532 (cited by 4 submitters).